The following is an entry in ClinVar:

NM_015164.4(PLEKHM2):c.1349C>T (p.Pro450Leu)

Gene: PLEKHM2 (pleckstrin homology and RUN domain containing M2; plus strand). Cytogenetic location: 1p36.21.
Variant type: single nucleotide variant.
Coding change: c.1349C>T on transcript NM_015164.4 (MANE Select); coding-DNA position 1349, C replaced by T.
Protein change: p.Pro450Leu; replaces proline 450 with leucine.
Molecular consequence: missense variant.
Genome position (GRCh38, 1-based): chr1:15,727,421, C>T. VCF-style: chr1-15727421-C-T. GRCh37 (hg19) VCF-style: chr1-16053916-C-T.
Other names: short protein forms P450L.
Identifiers: ClinVar variation 478069 (VCV000478069.12), dbSNP rs200715563, ClinGen allele CA616925.

ClinVar aggregate classification (germline): Uncertain significance. Review status: criteria provided, multiple submitters, no conflicts (2 of 4 stars). 2 submissions from 2 submitters: Uncertain significance (2). Last evaluated 2026-01-24.

Allele frequency attached by ClinVar (database versions not stated): ESP Exome Variant Server 0.00008; gnomAD exomes 0.00009; gnomAD 0.00014; TOPMed 0.00020; 1000 Genomes Project 30x 0.00031; 1000 Genomes Project 0.00040.
gnomAD v4.1: 84 of 1,606,072 alleles (0.0052%); highest among the groups gnomAD compares: African/African-American, 0.057%; no homozygotes.

Submissions (2):

Labcorp Genetics (formerly Invitae), Labcorp
Classification: Uncertain significance. Last evaluated: 2026-01-24. Review status: criteria provided, single submitter. Criteria: Invitae Variant Classification Sherloc (09022015). Collection method: clinical testing. Allele origin: germline.
Comment: This sequence change replaces proline, which is neutral and non-polar, with leucine, which is neutral and non-polar, at codon 450 of the PLEKHM2 protein (p.Pro450Leu). This variant is present in population databases (rs200715563, gnomAD 0.05%). This variant has not been reported in the literature in individuals affected with PLEKHM2-related conditions. ClinVar contains an entry for this variant (Variation ID: 478069). An algorithm developed to predict the effect of missense changes on protein structure and function (PolyPhen-2) suggests that this variant is likely to be tolerated. In summary, the available evidence is currently insufficient to determine the role of this variant in disease. Therefore, it has been classified as a Variant of Uncertain Significance.

Ambry Genetics
Classification: Uncertain significance. Last evaluated: 2023-10-25. Review status: criteria provided, single submitter. Criteria: Ambry Variant Classification Scheme 2023. Collection method: clinical testing. Allele origin: germline.